The following is an entry in ClinVar:

NM_000059.4(BRCA2):c.1910-26T>C

Gene: BRCA2 (BRCA2 DNA repair associated; plus strand). Cytogenetic location: 13q13.1.
Variant type: single nucleotide variant.
Coding change: c.1910-26T>C on transcript NM_000059.4 (MANE Select); 26 bases into the intron before coding-DNA position 1910, T replaced by C.
Molecular consequence: intron variant.
Genome position (GRCh38, 1-based): chr13:32,336,239, T>C. VCF-style: chr13-32336239-T-C. GRCh37 (hg19) VCF-style: chr13-32910376-T-C.
Other names: c.1910-26T>C (NM_001432077.1, NM_001406720.1, NM_001406719.1); c.1909+2852T>C (NM_001406721.1); c.424+5209T>C (NM_001406722.1).
Identifiers: ClinVar variation 4539159 (VCV004539159.1).

ClinVar aggregate classification (germline): Likely benign (1 of 4 stars; one submission).

gnomAD v4.1: 8 of 1,588,274 alleles (0.0005%); highest among the groups gnomAD compares: Non-Finnish European, 0.00068%; no homozygotes.

Submission:

Center for Genomic Medicine, Rigshospitalet, Copenhagen University Hospital
Classification: Likely benign. Last evaluated: 2025-12-29. Review status: criteria provided, single submitter. Criteria: ACMG Guidelines, 2015. Collection method: clinical testing. Allele origin: germline.
Comment: Classification criteria: BP4, BP7